The following is an entry in ClinVar:

ClinVar aggregate classification (germline): Benign. Review status: criteria provided, multiple submitters, no conflicts (2 of 4 stars). 5 submissions from 5 submitters: Benign (3). 2 of the submissions do not count toward it. Last evaluated 2026-02-02.

Conditions:
Multiple congenital exostosis (EXT). Also called: Hereditary multiple exostoses; Hereditary multiple exostosis; Multiple osteochondromas; Multiple exostoses; MULTIPLE CARTILAGINOUS EXOSTOSES; Hereditary multiple osteochondromas. Identifiers: Orphanet 321, MedGen C0015306, MONDO:0005508, HP:0002762.

Submissions (5):

Labcorp Genetics (formerly Invitae), Labcorp
Classification: Benign for Multiple congenital exostosis. Last evaluated: 2026-02-02. Review status: criteria provided, single submitter. Criteria: Invitae Variant Classification Sherloc (09022015). Collection method: clinical testing. Allele origin: germline.

Mayo Clinic Laboratories, Mayo Clinic
Classification: Benign. Last evaluated: 2025-06-11. Review status: criteria provided, single submitter. Criteria: ACMG Guidelines, 2015. Collection method: clinical testing. Allele origin: germline. Observed: 3 variant alleles.
Comment: BA1

GeneDx
Classification: Benign. Last evaluated: 2015-03-03. Review status: criteria provided, single submitter. Criteria: GeneDx Variant Classification Process June 2021. Collection method: clinical testing. Allele origin: germline. Affected: yes.
Comment: This variant is associated with the following publications: (PMID: 23439489, 17301954)

Genome Diagnostics Laboratory, Amsterdam University Medical Center
Classification: Likely benign. Review status: no assertion criteria provided. Collection method: clinical testing. Allele origin: germline. Affected: yes. Study: VKGL Data-share Consensus. Not counted in ClinVar's aggregate classification.

Laboratory of Diagnostic Genome Analysis, Leiden University Medical Center (LUMC)
Classification: Likely benign. Review status: no assertion criteria provided. Collection method: clinical testing. Allele origin: germline. Affected: yes. Study: VKGL Data-share Consensus. Not counted in ClinVar's aggregate classification.

NM_000127.3(EXT1):c.962+8_962+11del

Gene: EXT1 (exostosin glycosyltransferase 1; minus strand). Cytogenetic location: 8q24.11.
Variant type: Deletion.
Coding change: c.962+8_962+11del on transcript NM_000127.3 (MANE Select); bases 8 to 11 of the intron after coding-DNA position 962, 4 bases deleted (TCTG; older notation c.962+8_962+11delTCTG).
Molecular consequence: intron variant.
Genome position (GRCh38, 1-based): chr8:118,110,074-118,110,077, CAGA deleted on the plus strand (TCTG on the coding strand, the reverse complement: EXT1 is on the minus strand); deleting any 4 consecutive bases within chr8:118,110,074-118,110,079 gives the same sequence; the c. name uses the placement nearest the transcript's 3' end. VCF-style (leftmost placement, unchanged base first): chr8-118110073-CCAGA-C. GRCh37 (hg19) VCF-style: chr8-119122312-CCAGA-C.
Other names: p.?.
Identifiers: ClinVar variation 361659 (VCV000361659.19), dbSNP rs138812713, ClinGen allele CA4854292.